The following is an entry in ClinVar:

ClinVar aggregate classification (germline): Pathogenic/Likely pathogenic. Review status: criteria provided, multiple submitters, no conflicts (2 of 4 stars). 3 submissions from 3 submitters: Pathogenic (1); Likely pathogenic (1). 1 of the submissions does not count toward it. Last evaluated 2026-01-23.

Conditions:
Familial hypokalemia-hypomagnesemia (GTLMNS). Also called: HYPOMAGNESEMIA-HYPOKALEMIA, PRIMARY RENOTUBULAR, WITH HYPOCALCIURIA; POTASSIUM AND MAGNESIUM DEPLETION; gitelman syndrome. Identifiers: Orphanet 358, MedGen C0268450, MONDO:0009904, OMIM 263800.
SLC12A3-related disorder. Also called: SLC12A3-related condition.

Allele frequency attached by ClinVar (database versions not stated): gnomAD 0.00002; gnomAD exomes 0.00002; TOPMed 0.00002.
gnomAD v4.1: 35 of 1,614,150 alleles (0.0022%); highest among the groups gnomAD compares: Non-Finnish European, 0.003%; no homozygotes.

Submissions (3):

Natera, Inc.
Classification: Likely pathogenic for Gitelman syndrome. Last evaluated: 2026-01-23. Review status: criteria provided, single submitter. Criteria: Natera Variant Classification Schema (03/2026). Collection method: clinical testing. Allele origin: germline.
Comment: The c.1067C>T variant in SLC12A3 is a missense variant predicted to cause substitution of alanine to valine at amino acid 356. This variant is rare in the general population with a frequency below the threshold expected for the associated phenotype(s). This variant has been observed in one or more individuals affected with the associated recessive disease, as either homozygous or compound heterozygous with a second variant (PMID: 11456284, 18391953). Functional studies show that this variant may disrupt protein function (PMID: 25060058, 29925901). Computational prediction algorithms indicate this variant is likely to affect gene or protein function. Given the available evidence, this variant is classified as Likely Pathogenic.

Institute of Human Genetics, University of Leipzig Medical Center
Classification: Pathogenic for Familial hypokalemia-hypomagnesemia. Last evaluated: 2023-05-05. Review status: criteria provided, single submitter. Criteria: ACMG Guidelines, 2015. Collection method: clinical testing. Allele origin: unknown. Inheritance: Autosomal recessive inheritance. Affected: yes.
Comment: Criteria applied: PVS1,PM3,PM2_SUP

PreventionGenetics, part of Exact Sciences
Classification: Likely pathogenic for SLC12A3-related condition. Last evaluated: 2023-11-21. Review status: no assertion criteria provided. Collection method: clinical testing. Allele origin: germline. Not counted in ClinVar's aggregate classification.
Comment: The SLC12A3 c.1067C>T variant is predicted to result in the amino acid substitution p.Ala356Val. This variant was reported, under the alternate gene name NCCT, in several individuals with Gitelman syndrome (Ji et al. 2008. PubMed ID: 18391953; Reissinger A et al. 2002. PubMed ID: 12590198; Schmidt et al. 2001. PubMed ID: 11456284). In vitro minigene splice assays indicate that this variant may result in skipping of exon 8 (Takeuchi Y et al. 2014. PubMed ID: 25060058). This variant is reported in 0.0015% of alleles in individuals of European (Non-Finnish) descent in gnomAD. This variant is interpreted as likely pathogenic.

Literature cited by the submitters: PubMed 11456284 (cited by Natera, Inc.); PubMed 18391953 (cited by Natera, Inc.); PubMed 25060058 (cited by Natera, Inc.); PubMed 29925901 (cited by Natera, Inc.).

NM_001126108.2(SLC12A3):c.1067C>T (p.Ala356Val)

Gene: SLC12A3 (solute carrier family 12 member 3; plus strand). Cytogenetic location: 16q13.
Variant type: single nucleotide variant.
Coding change: c.1067C>T on transcript NM_001126108.2 (MANE Select); coding-DNA position 1067, C replaced by T.
Protein change: p.Ala356Val; replaces alanine 356 with valine.
Molecular consequence: missense variant.
Genome position (GRCh38, 1-based): chr16:56,872,758, C>T. VCF-style: chr16-56872758-C-T. GRCh37 (hg19) VCF-style: chr16-56906670-C-T.
Other names: c.1067C>T, p.Ala356Val (NM_000339.3); c.1064C>T, p.Ala355Val (NM_001126107.2, NM_001410896.1); c.1067C>T (NM_000339.2); short protein forms A355V, A356V.
Identifiers: ClinVar variation 2576610 (VCV002576610.6), dbSNP rs1280772093, ClinGen allele CA395983883.